The following is an entry in ClinVar:

NM_058246.4(DNAJB6):c.899-140G>A

Gene: DNAJB6 (DnaJ heat shock protein family (Hsp40) member B6; plus strand). Cytogenetic location: 7q36.3.
Variant type: single nucleotide variant.
Coding change: c.899-140G>A on transcript NM_058246.4 (MANE Select); 140 bases into the intron before coding-DNA position 899, G replaced by A.
Molecular consequence: intron variant.
Genome position (GRCh38, 1-based): chr7:157,415,876, G>A. VCF-style: chr7-157415876-G-A. GRCh37 (hg19) VCF-style: chr7-157208570-G-A.
Other names: c.554-140G>A (NM_001363676.1).
Identifiers: ClinVar variation 679306 (VCV000679306.2), dbSNP rs7799033, ClinGen allele CA12623676.

ClinVar aggregate classification (germline): Benign. Review status: criteria provided, multiple submitters, no conflicts (2 of 4 stars). 2 submissions from 2 submitters: Benign (2). Last evaluated 2018-06-18.

Allele frequency attached by ClinVar (database versions not stated): gnomAD 0.03788 and 0.04068; 1000 Genomes Project 0.03974; 1000 Genomes Project 30x 0.04279; TOPMed 0.04296.
gnomAD v4.1: 10,837 of 1,493,960 alleles (0.73%); highest among the groups gnomAD compares: African/African-American, 13%; 619 homozygotes.

Submissions (2):

GeneDx
Classification: Benign. Last evaluated: 2018-06-18. Review status: criteria provided, single submitter. Criteria: GeneDx Variant Classification (06012015). Collection method: clinical testing. Allele origin: germline. Affected: yes.
Comment: This variant is considered likely benign or benign based on one or more of the following criteria: it is a conservative change, it occurs at a poorly conserved position in the protein, it is predicted to be benign by multiple in silico algorithms, and/or has population frequency not consistent with disease.

Breakthrough Genomics
Classification: Benign. Review status: criteria provided, single submitter. Criteria: ACMG Guidelines, 2015. Collection method: not provided. Allele origin: germline. Inheritance: Autosomal dominant inheritance. Affected: yes.